The following is an entry in ClinVar:

NM_001206927.2(DNAH8):c.253C>T (p.Arg85Ter)

Genes: DNAH8 (dynein axonemal heavy chain 8; plus strand), LOC126859667 (BRD4-independent group 4 enhancer GRCh37_chr6:38690326-38691525; plus strand). Cytogenetic location: 6p21.2.
Variant type: single nucleotide variant.
Coding change: c.253C>T on transcript NM_001206927.2 (MANE Select); coding-DNA position 253, C replaced by T.
Protein change: p.Arg85Ter; replaces arginine 85 with a stop codon.
Molecular consequence: nonsense. On other transcripts: 5 prime UTR variant (1).
Genome position (GRCh38, 1-based): chr6:38,723,062, C>T. VCF-style: chr6-38723062-C-T. GRCh37 (hg19) VCF-style: chr6-38690838-C-T.
Other names: c.-314C>T (NM_001371.4); short protein forms R85*.
Identifiers: ClinVar variation 953583 (VCV000953583.8), dbSNP rs545867507, ClinGen allele CA3787891.

ClinVar aggregate classification (germline): Pathogenic (1 of 4 stars; one submission).

Conditions:
Primary ciliary dyskinesia. Also called: Ciliary dyskinesia. Identifiers: Orphanet 244, MedGen C0008780, MONDO:0016575, HP:0012265.

Allele frequency attached by ClinVar (database versions not stated): gnomAD 0.00001; 1000 Genomes Project 30x 0.00016; 1000 Genomes Project 0.00020.

Submission:

Labcorp Genetics (formerly Invitae), Labcorp
Classification: Pathogenic for Primary ciliary dyskinesia. Last evaluated: 2025-02-28. Review status: criteria provided, single submitter. Criteria: Invitae Variant Classification Sherloc (09022015). Collection method: clinical testing. Allele origin: germline.
Comment: This sequence change creates a premature translational stop signal (p.Arg85*) in the DNAH8 gene. It is expected to result in an absent or disrupted protein product. Loss-of-function variants in DNAH8 are known to be pathogenic (PMID: 24307375, 32619401, 32681648). This variant is present in population databases (rs545867507, gnomAD 0.03%). This variant has not been reported in the literature in individuals affected with DNAH8-related conditions. ClinVar contains an entry for this variant (Variation ID: 953583). For these reasons, this variant has been classified as Pathogenic.

Literature cited by the submitters: PubMed 24307375; PubMed 32619401; PubMed 32681648.